The following is an entry in ClinVar:

NM_000179.3(MSH6):c.3517G>C (p.Val1173Leu)

Gene: MSH6 (mutS homolog 6; plus strand). Cytogenetic location: 2p16.3.
Variant type: single nucleotide variant.
Coding change: c.3517G>C on transcript NM_000179.3 (MANE Select); coding-DNA position 3517, G replaced by C.
Protein change: p.Val1173Leu; replaces valine 1173 with leucine.
Molecular consequence: missense variant.
Genome position (GRCh38, 1-based): chr2:47,804,988, G>C. VCF-style: chr2-47804988-G-C. GRCh37 (hg19) VCF-style: chr2-48032127-G-C.
Other names: c.3127G>C, p.Val1043Leu (NM_001281492.2); c.2611G>C, p.Val871Leu (NM_001281493.2, NM_001281494.2); short protein forms V871L, V1173L, V1043L.
Identifiers: ClinVar variation 823874 (VCV000823874.12), dbSNP rs730881806, ClinGen allele CA346760204.

ClinVar aggregate classification (germline): Uncertain significance. Review status: criteria provided, multiple submitters, no conflicts (2 of 4 stars). 3 submissions from 3 submitters: Uncertain significance (3). Last evaluated 2024-09-03.

Conditions:
Hereditary cancer-predisposing syndrome. Also called: Neoplastic Syndromes, Hereditary; Tumor predisposition; Hereditary neoplastic syndrome; Hereditary Cancer Syndrome. Identifiers: Orphanet 140162, MedGen C0027672, MeSH D009386, MONDO:0015356.
Hereditary nonpolyposis colorectal neoplasms. Identifiers: MedGen C0009405, MeSH D003123.

Submissions (3):

Ambry Genetics
Classification: Uncertain significance for Hereditary cancer-predisposing syndrome. Last evaluated: 2024-09-03. Review status: criteria provided, single submitter. Criteria: Ambry Variant Classification Scheme 2023. Collection method: clinical testing. Allele origin: germline.
Comment: The p.V1173L variant (also known as c.3517G>C), located in coding exon 6 of the MSH6 gene, results from a G to C substitution at nucleotide position 3517. The valine at codon 1173 is replaced by leucine, an amino acid with highly similar properties. This amino acid position is highly conserved in available vertebrate species. In addition, the in silico prediction for this alteration is inconclusive. Based on the available evidence, the clinical significance of this variant remains unclear.

Labcorp Genetics (formerly Invitae), Labcorp
Classification: Uncertain significance for Hereditary nonpolyposis colorectal neoplasms. Last evaluated: 2023-07-19. Review status: criteria provided, single submitter. Criteria: Invitae Variant Classification Sherloc (09022015). Collection method: clinical testing. Allele origin: germline.
Comment: In summary, the available evidence is currently insufficient to determine the role of this variant in disease. Therefore, it has been classified as a Variant of Uncertain Significance. This sequence change replaces valine, which is neutral and non-polar, with leucine, which is neutral and non-polar, at codon 1173 of the MSH6 protein (p.Val1173Leu). This variant is not present in population databases (gnomAD no frequency). This variant has not been reported in the literature in individuals affected with MSH6-related conditions. ClinVar contains an entry for this variant (Variation ID: 823874). Advanced modeling of protein sequence and biophysical properties (such as structural, functional, and spatial information, amino acid conservation, physicochemical variation, residue mobility, and thermodynamic stability) performed at Invitae indicates that this missense variant is not expected to disrupt MSH6 protein function.

Color Diagnostics, LLC DBA Color Health
Classification: Uncertain significance for Hereditary cancer-predisposing syndrome. Last evaluated: 2021-11-23. Review status: criteria provided, single submitter. Criteria: ACMG Guidelines, 2015. Collection method: clinical testing. Allele origin: germline.
Comment: This missense variant replaces valine with leucine at codon 1173 of the MSH6 protein. Computational prediction is inconclusive regarding the impact of this variant on protein structure and function (internally defined REVEL score threshold 0.5 < inconclusive < 0.7, PMID: 27666373). To our knowledge, functional studies have not been reported for this variant. This variant has not been reported in individuals affected with hereditary cancer in the literature. This variant has not been identified in the general population by the Genome Aggregation Database (gnomAD). The available evidence is insufficient to determine the role of this variant in disease conclusively. Therefore, this variant is classified as a Variant of Uncertain Significance.